The following is an entry in ClinVar:

NM_000256.3(MYBPC3):c.772+4A>T

Gene: MYBPC3 (myosin binding protein C3; minus strand). Cytogenetic location: 11p11.2.
Variant type: single nucleotide variant.
Coding change: c.772+4A>T on transcript NM_000256.3 (MANE Select); 4 bases into the intron after coding-DNA position 772, A replaced by T.
Molecular consequence: intron variant.
Genome position (GRCh38, 1-based): chr11:47,348,420, T>A on the plus strand (A>T on the coding strand, the complement: MYBPC3 is on the minus strand). VCF-style: chr11-47348420-T-A. GRCh37 (hg19) VCF-style: chr11-47369971-T-A.
Identifiers: ClinVar variation 3572875 (VCV003572875.3).

ClinVar aggregate classification (germline): Conflicting classifications of pathogenicity. Review status: criteria provided, conflicting classifications (1 of 4 stars). 2 submissions from 2 submitters: Likely pathogenic (1); Uncertain significance (1). Last evaluated 2025-01-23.

Conditions:
Hypertrophic cardiomyopathy 4. Also called: Familial hypertrophic cardiomyopathy 4. Identifiers: MedGen C1861862, MONDO:0007268, OMIM 115197.
Hypertrophic cardiomyopathy. Also called: HYPERTROPHIC MYOCARDIOPATHY. Identifiers: Orphanet 217569, MedGen C0007194, MeSH D002312, MONDO:0005045, HP:0001639.

Submissions (2):

Labcorp Genetics (formerly Invitae), Labcorp
Classification: Uncertain significance for Hypertrophic cardiomyopathy. Last evaluated: 2025-01-23. Review status: criteria provided, single submitter. Criteria: Invitae Variant Classification Sherloc (09022015). Collection method: clinical testing. Allele origin: germline.
Comment: This sequence change falls in intron 6 of the MYBPC3 gene. It does not directly change the encoded amino acid sequence of the MYBPC3 protein. It affects a nucleotide within the consensus splice site. This variant is not present in population databases (gnomAD no frequency). This variant has not been reported in the literature in individuals affected with MYBPC3-related conditions. Variants that disrupt the consensus splice site are a relatively common cause of aberrant splicing (PMID: 17576681, 9536098). Algorithms developed to predict the effect of sequence changes on RNA splicing suggest that this variant may disrupt the consensus splice site. In summary, the available evidence is currently insufficient to determine the role of this variant in disease. Therefore, it has been classified as a Variant of Uncertain Significance.

MVZ Martinsried, Medicover Genetics
Classification: Likely pathogenic for Hypertrophic cardiomyopathy 4. Last evaluated: 2024-10-21. Review status: criteria provided, single submitter. Criteria: ClinGen CMP ACMG Specifications MYBPC3 V1.0.0. Collection method: clinical testing. Allele origin: unknown. Affected: yes. Observed: 1 heterozygote.
Comment: The variant identified in the splice donor of intron 6 of the MYBPC3 gene has not been previously documented in the literature. Additionally, it has not been observed in individuals from the potentially healthy general population, as indicated by the gnomAD population database. A cDNA analysis conducted on leukocyte RNA from this HCM patient revealed that the variant results in skipping of exon 6, leading to the generation of an abnormal MYBPC3 mRNA transcript that is missing 118 protein-coding bases (r.655_772del). The translation of this transcript is affected by a frameshift, which results in the recognition of a premature stop codon, thereby causing an abrupt termination of translation (Val219Argfs*42). Typically, such mRNA transcripts are subject to nonsense-mediated mRNA decay and are subsequently degraded.

Literature cited by the submitters: PubMed 17576681 (cited by Labcorp Genetics (formerly Invitae), Labcorp); PubMed 9536098 (cited by Labcorp Genetics (formerly Invitae), Labcorp).